The following is an entry in ClinVar:

ClinVar aggregate classification (germline): Likely benign (1 of 4 stars; one submission).

gnomAD v4.1: 7 of 1,613,866 alleles (0.00043%); highest among the groups gnomAD compares: African/African-American, 0.0067%; no homozygotes.

Submission:

CeGaT Center for Human Genetics Tuebingen
Classification: Likely benign. Last evaluated: 2025-08-01. Review status: criteria provided, single submitter. Criteria: CeGaT Center For Human Genetics Tuebingen Variant Classification Criteria Version 2. Collection method: clinical testing. Allele origin: germline. Affected: yes. Observed: 1 variant allele.
Comment: TOM1L2: BP4

NM_001082968.2(TOM1L2):c.1446G>A (p.Met482Ile)

Gene: TOM1L2 (target of myb1 like 2 membrane trafficking protein; minus strand). Cytogenetic location: 17p11.2.
Variant type: single nucleotide variant.
Coding change: c.1446G>A on transcript NM_001082968.2 (MANE Select); coding-DNA position 1446, G replaced by A.
Protein change: p.Met482Ile; replaces methionine 482 with isoleucine.
Molecular consequence: missense variant.
Genome position (GRCh38, 1-based): chr17:17,847,713, C>T on the plus strand (G>A on the coding strand, the complement: TOM1L2 is on the minus strand). VCF-style: chr17-17847713-C-T. GRCh37 (hg19) VCF-style: chr17-17751027-C-T.
Other names: c.1251G>A, p.Met417Ile (NM_001350331.2); c.1533G>A, p.Met511Ile (NM_001350332.2); c.1386G>A, p.Met462Ile (NM_001350333.2); c.1296G>A, p.Met432Ile (NM_001033551.3); c.1374G>A, p.Met458Ile (NM_001288786.2); c.1311G>A, p.Met437Ile (NM_001288787.2); c.1092G>A, p.Met364Ile (NM_001288788.2); c.1089G>A, p.Met363Ile (NM_001288789.2); short protein forms M363I, M364I, M417I, M432I, M437I, M458I, M462I, M482I.
Identifiers: ClinVar variation 4085076 (VCV004085076.8).
Genomic context (GRCh38, chr17:17,847,713, plus strand): 5'-ATCCTCTGACCGCTCTGGCTTCTTCCGGCCAGAAGGGTTTGAGGCTGGGGCAGGAGCCTC[C>T]ATGGGGGGCGAGGGGAGGTCGGGAACCATTTCAGCAGCTTTGGCTCTTTCTTCAAGGAAT-3'
Protein context (NP_001076437.1, residues 472-492): EMVPDLPSPP[Met482Ile]EAPAPASNPS